The following is an entry in ClinVar:

ClinVar aggregate classification (germline): Uncertain significance (1 of 4 stars; one submission).

Allele frequency attached by ClinVar (database versions not stated): gnomAD exomes 0.00001.
gnomAD v4.1: 3 of 1,614,146 alleles (0.00019%); highest among the groups gnomAD compares: Admixed American, 0.0033%; no homozygotes.

Submission:

Labcorp Genetics (formerly Invitae), Labcorp
Classification: Uncertain significance. Last evaluated: 2023-01-24. Review status: criteria provided, single submitter. Criteria: Invitae Variant Classification Sherloc (09022015). Collection method: clinical testing. Allele origin: germline.
Comment: In summary, the available evidence is currently insufficient to determine the role of this variant in disease. Therefore, it has been classified as a Variant of Uncertain Significance. Advanced modeling of protein sequence and biophysical properties (such as structural, functional, and spatial information, amino acid conservation, physicochemical variation, residue mobility, and thermodynamic stability) performed at Invitae indicates that this missense variant is not expected to disrupt KANK1 protein function. This variant has not been reported in the literature in individuals affected with KANK1-related conditions. This variant is present in population databases (no rsID available, gnomAD 0.006%). This sequence change replaces arginine, which is basic and polar, with threonine, which is neutral and polar, at codon 169 of the KANK1 protein (p.Arg169Thr).

NM_015158.5(KANK1):c.506G>C (p.Arg169Thr)

Gene: KANK1 (KN motif and ankyrin repeat domains 1; plus strand). Cytogenetic location: 9p24.3.
Variant type: single nucleotide variant.
Coding change: c.506G>C on transcript NM_015158.5 (MANE Select); coding-DNA position 506, G replaced by C.
Protein change: p.Arg169Thr; replaces arginine 169 with threonine.
Molecular consequence: missense variant. On other transcripts: non-coding transcript variant (1).
Genome position (GRCh38, 1-based): chr9:711,272, G>C. VCF-style: chr9-711272-G-C. GRCh37 (hg19) VCF-style: chr9-711272-G-C.
Other names: c.506G>C, p.Arg169Thr (NM_001256876.3, NM_001256877.3, NM_001354331.2 and 2 more transcripts); c.32G>C, p.Arg11Thr (NM_001354333.2, NM_001354344.2, NM_153186.6 and 9 more transcripts); short protein forms R169T, R11T.
Identifiers: ClinVar variation 2966253 (VCV002966253.3), dbSNP rs1397308910, ClinGen allele CA372746293.
Genomic context (GRCh38, chr9:711,272, plus strand): 5'-AGCATAACCTTCATGTCACCAAGACACTGATGGAGACCCGGAGAAGACTGGAACAGGAGA[G>C]AGCCACCATGCAGATGACACCGGGTGAGTTCAGAAGGCCCAGGCTGGCCAGTTTTGGAGG-3'
Protein context (NP_055973.2, residues 159-179): METRRRLEQE[Arg169Thr]ATMQMTPGEF